The following is an entry in ClinVar:

NM_017570.5(OPLAH):c.3623-2A>C

Gene: OPLAH (5-oxoprolinase, ATP-hydrolysing; minus strand). Cytogenetic location: 8q24.3.
Variant type: single nucleotide variant.
Coding change: c.3623-2A>C on transcript NM_017570.5 (MANE Select); the canonical splice acceptor site of the intron before coding-DNA position 3623, A replaced by C.
Molecular consequence: splice acceptor variant.
Genome position (GRCh38, 1-based): chr8:144,051,828, T>G on the plus strand (A>C on the coding strand, the complement: OPLAH is on the minus strand). VCF-style: chr8-144051828-T-G. GRCh37 (hg19) VCF-style: chr8-145106729-T-G.
Identifiers: ClinVar variation 4747648 (VCV004747648.1).

ClinVar aggregate classification (germline): Likely pathogenic (1 of 4 stars; one submission).

Conditions:
5-Oxoprolinase deficiency (OPLAHD). Also called: 5-OXOPROLINURIA DUE TO 5-OXOPROLINASE DEFICIENCY. Identifiers: Orphanet 33572, MedGen C0268525, MONDO:0009825, OMIM 260005, HP:0040142.

gnomAD v4.1: 80 of 1,269,986 alleles (0.0063%); highest among the groups gnomAD compares: Non-Finnish European, 0.0077%; no homozygotes.

Submission:

Labcorp Genetics (formerly Invitae), Labcorp
Classification: Likely pathogenic for 5-Oxoprolinase deficiency. Last evaluated: 2025-05-25. Review status: criteria provided, single submitter. Criteria: Invitae Variant Classification Sherloc (09022015). Collection method: clinical testing. Allele origin: germline.
Comment: This sequence change affects an acceptor splice site in intron 25 of the OPLAH gene. It is expected to disrupt RNA splicing. Variants that disrupt the donor or acceptor splice site typically lead to a loss of protein function (PMID: 16199547), and loss-of-function variants in OPLAH are known to be pathogenic (PMID: 21651516, 27477828). This variant is present in population databases (rs782282692, gnomAD 0.004%). This variant has not been reported in the literature in individuals affected with OPLAH-related conditions. Algorithms developed to predict the effect of sequence changes on RNA splicing suggest that this variant may disrupt the consensus splice site. In summary, the currently available evidence indicates that the variant is pathogenic, but additional data are needed to prove that conclusively. Therefore, this variant has been classified as Likely Pathogenic.

Literature cited by the submitters: PubMed 16199547; PubMed 21651516; PubMed 27477828.